The following is an entry in ClinVar:

NM_002087.4(GRN):c.1213C>T (p.Pro405Ser)

Gene: GRN (granulin precursor; plus strand). Cytogenetic location: 17q21.31.
Variant type: single nucleotide variant.
Coding change: c.1213C>T on transcript NM_002087.4 (MANE Select); coding-DNA position 1213, C replaced by T.
Protein change: p.Pro405Ser; replaces proline 405 with serine.
Molecular consequence: missense variant.
Genome position (GRCh38, 1-based): chr17:44,352,048, C>T. VCF-style: chr17-44352048-C-T. GRCh37 (hg19) VCF-style: chr17-42429416-C-T.
Other names: short protein forms P405S.
Identifiers: ClinVar variation 2940195 (VCV002940195.3), dbSNP rs544035393, ClinGen allele CA290926640.
Genomic context (GRCh38, chr17:44,352,048, plus strand): 5'-CAACGCCCTTTCCTGCCCACCCCCCAGGCTGTCTGCTGCTCGGACCACCAGCACTGCTGC[C>T]CCCAGGGCTACACGTGTGTAGCTGAGGGGCAGTGTCAGCGAGGAAGCGAGATCGTGGCTG-3'
Protein context (NP_002078.1, residues 395-415): VCCSDHQHCC[Pro405Ser]QGYTCVAEGQ

ClinVar aggregate classification (germline): Uncertain significance (1 of 4 stars; one submission).

Conditions:
GRN-related frontotemporal lobar degeneration with Tdp43 inclusions (FTD2). Also called: DEMENTIA, HEREDITARY DYSPHASIC DISINHIBITION; FRONTOTEMPORAL LOBAR DEGENERATION WITH UBIQUITIN-POSITIVE INCLUSIONS; FTLD-TDP, GRN-RELATED; GRN Frontotemporal Dementia; FRONTOTEMPORAL DEMENTIA WITH TDP43 INCLUSIONS, GRN-RELATED. Identifiers: Orphanet 100070, Orphanet 282, MedGen C1843792, MONDO:0011842, OMIM 607485. Disease mechanism: loss of function.
Neuronal ceroid lipofuscinosis 11. Also called: GRN-Related Neuronal Ceroid-Lipofuscinosis. Identifiers: Orphanet 314629, Orphanet 79262, MedGen C3539123, MONDO:0013866, OMIM 614706.

Submission:

Labcorp Genetics (formerly Invitae), Labcorp
Classification: Uncertain significance for Neuronal ceroid lipofuscinosis 11; GRN-related frontotemporal lobar degeneration with Tdp43 inclusions. Last evaluated: 2023-02-23. Review status: criteria provided, single submitter. Criteria: Invitae Variant Classification Sherloc (09022015). Collection method: clinical testing. Allele origin: germline.
Comment: In summary, the available evidence is currently insufficient to determine the role of this variant in disease. Therefore, it has been classified as a Variant of Uncertain Significance. Advanced modeling of protein sequence and biophysical properties (such as structural, functional, and spatial information, amino acid conservation, physicochemical variation, residue mobility, and thermodynamic stability) performed at Invitae indicates that this missense variant is expected to disrupt GRN protein function. This variant has not been reported in the literature in individuals affected with GRN-related conditions. This variant is not present in population databases (gnomAD no frequency). This sequence change replaces proline, which is neutral and non-polar, with serine, which is neutral and polar, at codon 405 of the GRN protein (p.Pro405Ser).